The following is an entry in ClinVar:

NM_001567.4(INPPL1):c.3202del (p.Ser1068fs)

Gene: INPPL1 (inositol polyphosphate phosphatase like 1; plus strand). Cytogenetic location: 11q13.4.
Variant type: Deletion.
Coding change: c.3202del on transcript NM_001567.4 (MANE Select); coding-DNA position 3202, one base deleted (A; older notation c.3202delA).
Protein change: p.Ser1068fs; shifts the reading frame from serine 1068.
Molecular consequence: frameshift variant.
Genome position (GRCh38, 1-based): chr11:72,237,446, A deleted. VCF-style (leftmost placement, unchanged base first): chr11-72237445-CA-C. GRCh37 (hg19) VCF-style: chr11-71948489-CA-C.
Other names: c.3268del, p.Ser1090fs (NM_001440434.1); c.3202del, p.Ser1068fs (NM_001440435.1, NM_001440436.1, NM_001440438.1); c.3061del, p.Ser1021fs (NM_001440437.1); short protein forms S1068fs, S1090fs, S1021fs.
Identifiers: ClinVar variation 4992576 (VCV004992576.1).

ClinVar aggregate classification (germline): Likely pathogenic (1 of 4 stars; one submission).

Conditions:
INPPL1-related disorder. Also called: INPPL1-related condition.

Submission:

PreventionGenetics, part of Exact Sciences
Classification: Likely pathogenic for INPPL1-related condition. Last evaluated: 2026-05-19. Review status: criteria provided, single submitter. Criteria: ACMG Guidelines, 2015. Collection method: clinical testing. Allele origin: germline.
Comment: The INPPL1 c.3202delA variant is predicted to result in a frameshift and premature protein termination (p.Ser1068Alafs*63). To our knowledge, this variant has not been reported in the literature. This variant is reported in 0.0062% of alleles in individuals of African descent in gnomAD. Frameshift variants in INPPL1 are expected to be pathogenic. This variant is interpreted as likely pathogenic.